The following is an entry in ClinVar:

ClinVar aggregate classification (germline): Uncertain significance. Review status: criteria provided, multiple submitters, no conflicts (2 of 4 stars). 2 submissions from 2 submitters: Uncertain significance (2). Last evaluated 2025-12-02.

Conditions:
Inborn genetic diseases. Identifiers: MedGen C0950123, MeSH D030342.

Allele frequency attached by ClinVar (database versions not stated): gnomAD exomes 0.00001; gnomAD 0.00005 and 0.00004; ExAC 0.00001; TOPMed 0.00004; ESP Exome Variant Server 0.00008.
gnomAD v4.1: 14 of 1,613,986 alleles (0.00087%); highest among the groups gnomAD compares: African/African-American, 0.013%; no homozygotes.

Submissions (2):

Ambry Genetics
Classification: Uncertain significance for Inborn genetic diseases. Last evaluated: 2025-12-02. Review status: criteria provided, single submitter. Criteria: Ambry Variant Classification Scheme 2023. Collection method: clinical testing. Allele origin: germline.

Labcorp Genetics (formerly Invitae), Labcorp
Classification: Uncertain significance. Last evaluated: 2024-12-26. Review status: criteria provided, single submitter. Criteria: Invitae Variant Classification Sherloc (09022015). Collection method: clinical testing. Allele origin: germline.
Comment: This sequence change replaces aspartic acid, which is acidic and polar, with glycine, which is neutral and non-polar, at codon 2400 of the VCAN protein (p.Asp2400Gly). This variant is present in population databases (rs147435543, gnomAD 0.007%). This variant has not been reported in the literature in individuals affected with VCAN-related conditions. ClinVar contains an entry for this variant (Variation ID: 1465055). An algorithm developed to predict the effect of missense changes on protein structure and function outputs the following: PolyPhen-2: "Benign". The glycine amino acid residue is found in multiple mammalian species, which suggests that this missense change does not adversely affect protein function. In summary, the available evidence is currently insufficient to determine the role of this variant in disease. Therefore, it has been classified as a Variant of Uncertain Significance.

NM_004385.5(VCAN):c.7199A>G (p.Asp2400Gly)

Genes: VCAN (versican; plus strand), VCAN-AS1 (VCAN antisense RNA 1; minus strand). Cytogenetic location: 5q14.3.
Variant type: single nucleotide variant.
Coding change: c.7199A>G on transcript NM_004385.5 (MANE Select); coding-DNA position 7199, A replaced by G.
Protein change: p.Asp2400Gly; replaces aspartic acid 2400 with glycine.
Molecular consequence: missense variant. On other transcripts: intron variant (2).
Genome position (GRCh38, 1-based): chr5:83,540,202, A>G. VCF-style: chr5-83540202-A-G. GRCh37 (hg19) VCF-style: chr5-82836021-A-G.
Other names: c.4238A>G, p.Asp1413Gly (NM_001164097.2); c.4004-5335A>G (NM_001164098.2); c.1043-5335A>G (NM_001126336.3); c.7199A>G (NM_004385.4); short protein forms D1413G, D2400G.
Identifiers: ClinVar variation 1465055 (VCV001465055.6), dbSNP rs147435543, ClinGen allele CA3333601.